The following is an entry in ClinVar:

ClinVar aggregate classification (germline): Likely pathogenic (1 of 4 stars; one submission).

Conditions:
3-Oxo-5 alpha-steroid delta 4-dehydrogenase deficiency (PPSH). Also called: FAMILIAL INCOMPLETE MALE PSEUDOHERMAPHRODITISM, TYPE 2; MALE PSEUDOHERMAPHRODITISM DUE TO 5-ALPHA-REDUCTASE DEFICIENCY; PSEUDOVAGINAL PERINEOSCROTAL HYPOSPADIAS; 46,XY disorder of sex development due to 5-alpha-reductase 2 deficiency. Identifiers: Orphanet 753, MedGen C0268297, MONDO:0009923, OMIM 264600. Disease mechanism: loss of function.

Submission:

Shenzhen Institute of Pediatrics, Shenzhen Children's Hospital
Classification: Likely pathogenic for 3-Oxo-5 alpha-steroid delta 4-dehydrogenase deficiency. Last evaluated: 2017-08-10. Review status: criteria provided, single submitter. Criteria: ACMG Guidelines, 2015. Collection method: clinical testing. Allele origin: unknown. Inheritance: Autosomal recessive inheritance. Affected: yes. Observed: 1 variant allele, 1 compound heterozygote.
Comment: The genotype:[c.282-2A>G]+[c.725A>G(p. Tyr242Cys)]

NM_000348.4(SRD5A2):c.725A>G (p.Tyr242Cys)

Gene: SRD5A2 (steroid 5 alpha-reductase 2; minus strand). Cytogenetic location: 2p23.1.
Variant type: single nucleotide variant.
Coding change: c.725A>G on transcript NM_000348.4 (MANE Select); coding-DNA position 725, A replaced by G.
Protein change: p.Tyr242Cys; replaces tyrosine 242 with cysteine.
Molecular consequence: missense variant.
Genome position (GRCh38, 1-based): chr2:31,526,236, T>C on the plus strand (A>G on the coding strand, the complement: SRD5A2 is on the minus strand). VCF-style: chr2-31526236-T-C. GRCh37 (hg19) VCF-style: chr2-31751306-T-C.
Other names: short protein forms Y242C.
Identifiers: ClinVar variation 440485 (VCV000440485.2), dbSNP rs1553323036, ClinGen allele CA346597764.
Genomic context (GRCh38, chr2:31,526,236, plus strand): 5'-TCCTTTTTAATTTGGTTCCTTTAAAAGATGAATGGAATAAGGGCTTTCCGAGATTTGGGG[T>C]AGTCCTCAAACATCTTGAGGTAGAACCTAAAAGACAAGAAAGGAATAATTGTAAATATAA-3'
Protein context (NP_000339.2, residues 232-252): HRFYLKMFED[Tyr242Cys]PKSRKALIPF